The following is an entry in ClinVar:

ClinVar aggregate classification (germline): Conflicting classifications of pathogenicity. Review status: criteria provided, conflicting classifications (1 of 4 stars). 6 submissions from 5 submitters: Uncertain significance (5); Likely benign (1). Last evaluated 2026-01-28.

Conditions:
Epidermolysis bullosa, junctional 2A, intermediate. Also called: EPIDERMOLYSIS BULLOSA, JUNCTIONAL 2A, GENERALIZED INTERMEDIATE; EPIDERMOLYSIS BULLOSA, JUNCTIONAL 2A, NON-HERLITZ TYPE. Identifiers: MedGen C5676936, MONDO:0030746, OMIM 619783.
Epidermolysis bullosa, junctional 2B, severe. Also called: EPIDERMOLYSIS BULLOSA, JUNCTIONAL 2B, GENERALIZED SEVERE; EPIDERMOLYSIS BULLOSA, JUNCTIONAL 2B, HERLITZ TYPE. Identifiers: MedGen C5676937, MONDO:0030747, OMIM 619784.
Laryngo-onycho-cutaneous syndrome (JEB2C). Also called: SHABBIR SYNDROME; LOGIC SYNDROME; EPIDERMOLYSIS BULLOSA, JUNCTIONAL 2C, LARYNGOONYCHOCUTANEOUS. Identifiers: Orphanet 2407, MedGen C1328355, MONDO:0009513, OMIM 245660.
Junctional epidermolysis bullosa gravis of Herlitz. Also called: JEB-HERLITZ TYPE; Herlitz-type junctional epidermolysis bullosa; Epidermolysis Bullosa Letalis; EPIDERMOLYSIS BULLOSA, JUNCTIONAL 1B, SEVERE; EPIDERMOLYSIS BULLOSA JUNCTIONALIS, HERLITZ TYPE; EPIDERMOLYSIS BULLOSA, JUNCTIONAL, HERLITZ-PEARSON TYPE. Identifiers: Orphanet 79404, MedGen C0079683, MONDO:0009182, OMIM 226700.
LAMA3-related disorder. Also called: LAMA3-related disorders; LAMA3-related condition.

Allele frequency attached by ClinVar (database versions not stated): gnomAD exomes 0.00042 and 0.00112; ExAC 0.00043; ESP Exome Variant Server 0.00046; TOPMed 0.00052; gnomAD 0.00055 and 0.00059.
gnomAD v4.1: 1,779 of 1,613,510 alleles (0.11%); highest among the groups gnomAD compares: Non-Finnish European, 0.14%; 2 homozygotes.

Submissions (6):

Labcorp Genetics (formerly Invitae), Labcorp
Classification: Likely benign. Last evaluated: 2026-01-28. Review status: criteria provided, single submitter. Criteria: Invitae Variant Classification Sherloc (09022015). Collection method: clinical testing. Allele origin: germline.

PreventionGenetics, part of Exact Sciences
Classification: Uncertain significance for LAMA3-related condition. Last evaluated: 2025-09-29. Review status: criteria provided, single submitter. Criteria: ACMG Guidelines, 2015. Collection method: clinical testing. Allele origin: germline.
Comment: The LAMA3 c.2912C>A variant is predicted to result in the amino acid substitution p.Thr971Lys. To our knowledge, this variant has not been reported in the literature. This variant is reported in 0.077% of alleles in individuals of European (Non-Finnish) descent in gnomAD, which is likely too common for an undocumented disease-causing variant. Although we suspect that this variant may be benign, at this time, the clinical significance of this variant is uncertain due to the absence of conclusive functional and genetic evidence.

Department of Pathology and Laboratory Medicine, Sinai Health System
Classification: Uncertain significance for Junctional epidermolysis bullosa gravis of Herlitz; Laryngo-onycho-cutaneous syndrome; Epidermolysis bullosa, junctional 2A, intermediate; Epidermolysis bullosa, junctional 2B, severe. Last evaluated: 2021-08-12. Review status: criteria provided, single submitter. Criteria: ACMG Guidelines, 2015. Collection method: research. Allele origin: germline.

Illumina Laboratory Services, Illumina
Classification: Uncertain significance for Junctional epidermolysis bullosa gravis of Herlitz. Last evaluated: 2018-01-13. Review status: criteria provided, single submitter. Criteria: ICSL Variant Classification Criteria 13 December 2019. Collection method: clinical testing. Allele origin: germline.

Illumina Laboratory Services, Illumina
Classification: Uncertain significance for Laryngo-onycho-cutaneous syndrome. Last evaluated: 2018-01-13. Review status: criteria provided, single submitter. Criteria: ICSL Variant Classification Criteria 13 December 2019. Collection method: clinical testing. Allele origin: germline.

Breakthrough Genomics
Classification: Uncertain significance. Review status: criteria provided, single submitter. Criteria: ACMG Guidelines, 2015. Collection method: not provided. Allele origin: germline. Inheritance: Autosomal recessive inheritance. Affected: yes.

NM_198129.4(LAMA3):c.7739C>A (p.Thr2580Lys)

Gene: LAMA3 (laminin subunit alpha 3; plus strand). Cytogenetic location: 18q11.2.
Variant type: single nucleotide variant.
Coding change: c.7739C>A on transcript NM_198129.4 (MANE Select); coding-DNA position 7739, C replaced by A.
Protein change: p.Thr2580Lys; replaces threonine 2580 with lysine.
Molecular consequence: missense variant.
Genome position (GRCh38, 1-based): chr18:23,915,383, C>A. VCF-style: chr18-23915383-C-A. GRCh37 (hg19) VCF-style: chr18-21495347-C-A.
Other names: c.2912C>A, p.Thr971Lys (NM_000227.6); c.7571C>A, p.Thr2524Lys (NM_001127717.4); c.2744C>A, p.Thr915Lys (NM_001127718.4); c.2912C>A (NM_000227.4); short protein forms T2580K, T971K, T2524K, T915K.
Identifiers: ClinVar variation 890967 (VCV000890967.11), dbSNP rs61751705, ClinGen allele CA8916734.